The following is an entry in ClinVar:

NM_177438.3(DICER1):c.287C>T (p.Thr96Met)

Gene: DICER1 (dicer 1, ribonuclease III; minus strand). Cytogenetic location: 14q32.13.
Variant type: single nucleotide variant.
Coding change: c.287C>T on transcript NM_177438.3 (MANE Select); coding-DNA position 287, C replaced by T.
Protein change: p.Thr96Met; replaces threonine 96 with methionine.
Molecular consequence: missense variant.
Genome position (GRCh38, 1-based): chr14:95,132,535, G>A on the plus strand (C>T on the coding strand, the complement: DICER1 is on the minus strand). VCF-style: chr14-95132535-G-A. GRCh37 (hg19) VCF-style: chr14-95598872-G-A.
Other names: c.287C>T, p.Thr96Met (NM_001195573.1, NM_001271282.3, NM_001291628.2 and 1 more transcripts); c.287C>T (NM_177438.2); short protein forms T96M.
Identifiers: ClinVar variation 1041659 (VCV001041659.12), dbSNP rs770567567, ClinGen allele CA7331701.
Genomic context (GRCh38, chr14:95,132,535, plus strand): 5'-AATTTCCCCTGCACAACTTGATAAAATAATTTTTTATTACCAGAGTTGACCAAGAACACC[G>A]TCCTTTTTCCATTTCTGCTGAAGTCTCCCCTGATCTGATAGGACAGCTCTTTAGTGAGTA-3'
Protein context (NP_803187.1, residues 86-106): RGDFSRNGKR[Thr96Met]VFLVNSANQV

ClinVar aggregate classification (germline): Uncertain significance. Review status: criteria provided, multiple submitters, no conflicts (2 of 4 stars). 2 submissions from 2 submitters: Uncertain significance (2). Last evaluated 2026-01-08.

Conditions:
DICER1-related tumor predisposition. Also called: DICER1 syndrome; DICER1-related pleuropulmonary blastoma cancer predisposition syndrome. Identifiers: Orphanet 284343, MedGen C3839822, MONDO:0100216.
Hereditary cancer-predisposing syndrome. Also called: Hereditary neoplastic syndrome; Neoplastic Syndromes, Hereditary; Tumor predisposition; Hereditary Cancer Syndrome. Identifiers: Orphanet 140162, MedGen C0027672, MeSH D009386, MONDO:0015356.

Allele frequency attached by ClinVar (database versions not stated): gnomAD exomes below 0.00001 and 0.00001; TOPMed below 0.00001; gnomAD 0.00001; ExAC 0.00002.
gnomAD v4.1: 7 of 1,613,758 alleles (0.00043%); highest among the groups gnomAD compares: South Asian, 0.0011%; no homozygotes.

Submissions (2):

Labcorp Genetics (formerly Invitae), Labcorp
Classification: Uncertain significance for DICER1-related tumor predisposition. Last evaluated: 2026-01-08. Review status: criteria provided, single submitter. Criteria: Invitae Variant Classification Sherloc (09022015). Collection method: clinical testing. Allele origin: germline.
Comment: This sequence change replaces threonine, which is neutral and polar, with methionine, which is neutral and non-polar, at codon 96 of the DICER1 protein (p.Thr96Met). This variant is present in population databases (rs770567567, gnomAD 0.01%). This variant has not been reported in the literature in individuals affected with DICER1-related conditions. ClinVar contains an entry for this variant (Variation ID: 1041659). Invitae Evidence Modeling of protein sequence and biophysical properties (such as structural, functional, and spatial information, amino acid conservation, physicochemical variation, residue mobility, and thermodynamic stability) indicates that this missense variant is not expected to disrupt DICER1 protein function with a negative predictive value of 95%. In summary, the available evidence is currently insufficient to determine the role of this variant in disease. Therefore, it has been classified as a Variant of Uncertain Significance.

Ambry Genetics
Classification: Uncertain significance for Hereditary cancer-predisposing syndrome. Last evaluated: 2025-06-18. Review status: criteria provided, single submitter. Criteria: Ambry Variant Classification Scheme 2023. Collection method: clinical testing. Allele origin: germline.
Comment: The p.T96M variant (also known as c.287C>T), located in coding exon 2 of the DICER1 gene, results from a C to T substitution at nucleotide position 287. The threonine at codon 96 is replaced by methionine, an amino acid with similar properties. This amino acid position is highly conserved in available vertebrate species. In addition, the in silico prediction for this alteration is inconclusive. Since supporting evidence is limited at this time, the clinical significance of this alteration remains unclear.